The following is an entry in ClinVar:

ClinVar aggregate classification (germline): Uncertain significance (1 of 4 stars; one submission).

Conditions:
NRXN2-related disorder. Also called: NRXN2-related condition.

Allele frequency attached by ClinVar (database versions not stated): TOPMed 0.00001; ExAC 0.00002; gnomAD 0.00003; gnomAD exomes 0.00004; ESP Exome Variant Server 0.00008.
gnomAD v4.1: 62 of 1,614,108 alleles (0.0038%); highest among the groups gnomAD compares: Non-Finnish European, 0.005%; no homozygotes.

Submission:

PreventionGenetics, part of Exact Sciences
Classification: Uncertain significance for NRXN2-related condition. Last evaluated: 2026-03-04. Review status: criteria provided, single submitter. Criteria: ACMG Guidelines, 2015. Collection method: clinical testing. Allele origin: germline.
Comment: The NRXN2 c.3059C>T variant is predicted to result in the amino acid substitution p.Ser1020Phe. To our knowledge, this variant has not been reported in the literature. This variant is reported in 0.00088% of alleles in individuals of European (non-Finnish) descent in gnomAD. At this time, the clinical significance of this variant is uncertain due to the absence of conclusive functional and genetic evidence.

NM_015080.4(NRXN2):c.3059C>T (p.Ser1020Phe)

Gene: NRXN2 (neurexin 2; minus strand). Cytogenetic location: 11q13.1.
Variant type: single nucleotide variant.
Coding change: c.3059C>T on transcript NM_015080.4 (MANE Select); coding-DNA position 3059, C replaced by T.
Protein change: p.Ser1020Phe; replaces serine 1020 with phenylalanine.
Molecular consequence: missense variant.
Genome position (GRCh38, 1-based): chr11:64,650,498, G>A on the plus strand (C>T on the coding strand, the complement: NRXN2 is on the minus strand). VCF-style: chr11-64650498-G-A. GRCh37 (hg19) VCF-style: chr11-64417970-G-A.
Other names: c.3059C>T, p.Ser1020Phe (NM_001376262.1); c.3038C>T, p.Ser1013Phe (NM_001376263.1, NM_001376267.1); c.3014C>T, p.Ser1005Phe (NM_001376265.1); c.3035C>T, p.Ser1012Phe (NM_001376266.1); c.2939C>T, p.Ser980Phe (NM_138732.3); short protein forms S1005F, S1012F, S1013F, S1020F, S980F.
Identifiers: ClinVar variation 2634931 (VCV002634931.2), dbSNP rs369737815, ClinGen allele CA6078037.